The following is an entry in ClinVar:

ClinVar aggregate classification (germline): Uncertain significance (1 of 4 stars; one submission).

Conditions:
LAMA2-related muscular dystrophy (LAMA2-RD). Also called: Laminin alpha 2-related dystrophy. Identifiers: MedGen C5679788, MONDO:0100228.

Allele frequency attached by ClinVar (database versions not stated): gnomAD exomes below 0.00001; TOPMed below 0.00001; gnomAD 0.00001.
gnomAD v4.1: 3 of 1,613,564 alleles (0.00019%); highest among the groups gnomAD compares: African/African-American, 0.0013%; no homozygotes.

Submission:

Labcorp Genetics (formerly Invitae), Labcorp
Classification: Uncertain significance for LAMA2-related muscular dystrophy. Last evaluated: 2021-08-27. Review status: criteria provided, single submitter. Criteria: Invitae Variant Classification Sherloc (09022015). Collection method: clinical testing. Allele origin: germline.
Comment: This sequence change replaces glutamic acid with lysine at codon 1618 of the LAMA2 protein (p.Glu1618Lys). The glutamic acid residue is moderately conserved and there is a small physicochemical difference between glutamic acid and lysine. This variant is not present in population databases (ExAC no frequency). This variant has not been reported in the literature in individuals affected with LAMA2-related conditions. Advanced modeling of protein sequence and biophysical properties (such as structural, functional, and spatial information, amino acid conservation, physicochemical variation, residue mobility, and thermodynamic stability) performed at Invitae indicates that this missense variant is not expected to disrupt LAMA2 protein function. In summary, the available evidence is currently insufficient to determine the role of this variant in disease. Therefore, it has been classified as a Variant of Uncertain Significance.

NM_000426.4(LAMA2):c.4852G>A (p.Glu1618Lys)

Gene: LAMA2 (laminin subunit alpha 2; plus strand). Cytogenetic location: 6q22.33.
Variant type: single nucleotide variant.
Coding change: c.4852G>A on transcript NM_000426.4 (MANE Select); coding-DNA position 4852, G replaced by A.
Protein change: p.Glu1618Lys; replaces glutamic acid 1618 with lysine.
Molecular consequence: missense variant.
Genome position (GRCh38, 1-based): chr6:129,366,353, G>A. VCF-style: chr6-129366353-G-A. GRCh37 (hg19) VCF-style: chr6-129687498-G-A.
Other names: c.4852G>A, p.Glu1618Lys (NM_001079823.2); short protein forms E1618K.
Identifiers: ClinVar variation 1060886 (VCV001060886.6), dbSNP rs1777775912, ClinGen allele CA365623045.
Genomic context (GRCh38, chr6:129,366,353, plus strand): 5'-CTCACTGGTCCGCTGCCTGCGCCATATAAAATGCTGTATGGTCTTGAAAATATGACTCAG[G>A]AGCTAAAGGTAGGTTGGTGCAGTCACAAGCAAGGGCCAGGGACAAGGTGACAGAAGCTTC-3'
Protein context (NP_000417.3, residues 1608-1628): MLYGLENMTQ[Glu1618Lys]LKHLLSPQRA